The following is an entry in ClinVar:

NM_177438.3(DICER1):c.3966T>G (p.Phe1322Leu)

Gene: DICER1 (dicer 1, ribonuclease III; minus strand). Cytogenetic location: 14q32.13.
Variant type: single nucleotide variant.
Coding change: c.3966T>G on transcript NM_177438.3 (MANE Select); coding-DNA position 3966, T replaced by G.
Protein change: p.Phe1322Leu; replaces phenylalanine 1322 with leucine.
Molecular consequence: missense variant.
Genome position (GRCh38, 1-based): chr14:95,103,430, A>C on the plus strand (T>G on the coding strand, the complement: DICER1 is on the minus strand). VCF-style: chr14-95103430-A-C. GRCh37 (hg19) VCF-style: chr14-95569767-A-C.
Other names: c.3966T>G, p.Phe1322Leu (NM_001195573.1, NM_001271282.3, NM_001291628.2 and 1 more transcripts); short protein forms F1322L.
Identifiers: ClinVar variation 824437 (VCV000824437.13), dbSNP rs1595364040, ClinGen allele CA390873064.

ClinVar aggregate classification (germline): Uncertain significance. Review status: criteria provided, multiple submitters, no conflicts (2 of 4 stars). 2 submissions from 2 submitters: Uncertain significance (2). Last evaluated 2023-10-03.

Conditions:
DICER1-related tumor predisposition. Also called: DICER1-related pleuropulmonary blastoma cancer predisposition syndrome; DICER1 syndrome. Identifiers: Orphanet 284343, MedGen C3839822, MONDO:0100216.
Hereditary cancer-predisposing syndrome. Also called: Neoplastic Syndromes, Hereditary; Hereditary Cancer Syndrome; Hereditary neoplastic syndrome; Tumor predisposition. Identifiers: Orphanet 140162, MedGen C0027672, MeSH D009386, MONDO:0015356.

Submissions (2):

Labcorp Genetics (formerly Invitae), Labcorp
Classification: Uncertain significance for DICER1-related tumor predisposition. Last evaluated: 2023-10-03. Review status: criteria provided, single submitter. Criteria: Invitae Variant Classification Sherloc (09022015). Collection method: clinical testing. Allele origin: germline.
Comment: This sequence change replaces phenylalanine, which is neutral and non-polar, with leucine, which is neutral and non-polar, at codon 1322 of the DICER1 protein (p.Phe1322Leu). This variant is not present in population databases (gnomAD no frequency). This variant has not been reported in the literature in individuals affected with DICER1-related conditions. ClinVar contains an entry for this variant (Variation ID: 824437). Advanced modeling of protein sequence and biophysical properties (such as structural, functional, and spatial information, amino acid conservation, physicochemical variation, residue mobility, and thermodynamic stability) performed at Invitae indicates that this missense variant is expected to disrupt DICER1 protein function. In summary, the available evidence is currently insufficient to determine the role of this variant in disease. Therefore, it has been classified as a Variant of Uncertain Significance.

Ambry Genetics
Classification: Uncertain significance for Hereditary cancer-predisposing syndrome. Last evaluated: 2019-10-24. Review status: criteria provided, single submitter. Criteria: Ambry Variant Classification Scheme 2023. Collection method: clinical testing. Allele origin: germline.
Comment: The p.F1322L variant (also known as c.3966T>G), located in coding exon 20 of the DICER1 gene, results from a T to G substitution at nucleotide position 3966. The phenylalanine at codon 1322 is replaced by leucine, an amino acid with highly similar properties. This amino acid position is highly conserved in available vertebrate species. In addition, this alteration is predicted to be deleterious by in silico analysis. Since supporting evidence is limited at this time, the clinical significance of this alteration remains unclear.